The following is an entry in ClinVar:

NM_019844.4(SLCO1B3):c.1290C>T (p.Cys430=)

Genes: SLCO1B3 (solute carrier organic anion transporter family member 1B3; plus strand), SLCO1B3-SLCO1B7 (SLCO1B3-SLCO1B7 readthrough; plus strand). Cytogenetic location: 12p12.2.
Variant type: single nucleotide variant.
Coding change: c.1290C>T on transcript NM_019844.4 (MANE Select); coding-DNA position 1290, C replaced by T.
Protein change: p.Cys430=; no amino-acid change (cysteine 430 retained).
Molecular consequence: synonymous variant.
Genome position (GRCh38, 1-based): chr12:20,879,590, C>T. VCF-style: chr12-20879590-C-T. GRCh37 (hg19) VCF-style: chr12-21032524-C-T.
Other names: c.1290C>T, p.Cys430= (NM_001371097.1); c.1206C>T, p.Cys402= (NM_001349920.2).
Identifiers: ClinVar variation 3032943 (VCV003032943.2), dbSNP rs369799686, ClinGen allele CA6475515.

ClinVar aggregate classification (germline): Likely benign (0 of 4 stars; one submission).

Conditions:
SLCO1B3-related disorder. Also called: SLCO1B3-related condition.

Allele frequency attached by ClinVar (database versions not stated): ExAC 0.00002; gnomAD exomes 0.00002; gnomAD 0.00004; ESP Exome Variant Server 0.00008; TOPMed 0.00013.

Submission:

PreventionGenetics, part of Exact Sciences
Classification: Likely benign for SLCO1B3-related condition. Last evaluated: 2022-07-25. Review status: no assertion criteria provided. Collection method: clinical testing. Allele origin: germline.
Comment: This variant is classified as likely benign based on ACMG/AMP sequence variant interpretation guidelines (Richards et al. 2015 PMID: 25741868, with internal and published modifications).